The following is an entry in ClinVar:

ClinVar aggregate classification (germline): Uncertain significance (1 of 4 stars; one submission).

Submission:

Labcorp Genetics (formerly Invitae), Labcorp
Classification: Uncertain significance. Last evaluated: 2025-04-13. Review status: criteria provided, single submitter. Criteria: Invitae Variant Classification Sherloc (09022015). Collection method: clinical testing. Allele origin: germline.
Comment: This sequence change falls in intron 10 of the POLE gene. It does not directly change the encoded amino acid sequence of the POLE protein. This variant is not present in population databases (gnomAD no frequency). This variant has not been reported in the literature in individuals affected with POLE-related conditions. Algorithms developed to predict the effect of sequence changes on RNA splicing suggest that this variant may disrupt the consensus splice site. In summary, the available evidence is currently insufficient to determine the role of this variant in disease. Therefore, it has been classified as a Variant of Uncertain Significance.

NM_006231.4(POLE):c.1021-10T>G

Gene: POLE (DNA polymerase epsilon, catalytic subunit; minus strand). Cytogenetic location: 12q24.33.
Variant type: single nucleotide variant.
Coding change: c.1021-10T>G on transcript NM_006231.4 (MANE Select); 10 bases into the intron before coding-DNA position 1021, T replaced by G.
Molecular consequence: intron variant.
Genome position (GRCh38, 1-based): chr12:132,675,830, A>C on the plus strand (T>G on the coding strand, the complement: POLE is on the minus strand). VCF-style: chr12-132675830-A-C. GRCh37 (hg19) VCF-style: chr12-133252416-A-C.
Identifiers: ClinVar variation 4777773 (VCV004777773.1).